The following is an entry in ClinVar:

ClinVar aggregate classification (germline): Uncertain significance (1 of 4 stars; one submission).

Submission:

Labcorp Genetics (formerly Invitae), Labcorp
Classification: Uncertain significance. Last evaluated: 2021-10-16. Review status: criteria provided, single submitter. Criteria: Invitae Variant Classification Sherloc (09022015). Collection method: clinical testing. Allele origin: germline.
Comment: This sequence change replaces leucine with phenylalanine at codon 1855 of the USH2A protein (p.Leu1855Phe). The leucine residue is highly conserved and there is a small physicochemical difference between leucine and phenylalanine. This variant is not present in population databases (ExAC no frequency). This variant has not been reported in the literature in individuals affected with USH2A-related conditions. Algorithms developed to predict the effect of missense changes on protein structure and function output the following: SIFT: "Tolerated"; PolyPhen-2: "Benign"; Align-GVGD: "Class C0". The phenylalanine amino acid residue is found in multiple mammalian species, which suggests that this missense change does not adversely affect protein function. In summary, the available evidence is currently insufficient to determine the role of this variant in disease. Therefore, it has been classified as a Variant of Uncertain Significance.

NM_206933.4(USH2A):c.5565G>T (p.Leu1855Phe)

Genes: USH2A (usherin; minus strand), USH2A-AS2 (USH2A antisense RNA 2; plus strand). Cytogenetic location: 1q41.
Variant type: single nucleotide variant.
Coding change: c.5565G>T on transcript NM_206933.4 (MANE Select); coding-DNA position 5565, G replaced by T.
Protein change: p.Leu1855Phe; replaces leucine 1855 with phenylalanine.
Molecular consequence: missense variant.
Genome position (GRCh38, 1-based): chr1:216,078,096, C>A on the plus strand (G>T on the coding strand, the complement: USH2A is on the minus strand). VCF-style: chr1-216078096-C-A. GRCh37 (hg19) VCF-style: chr1-216251438-C-A.
Other names: short protein forms L1855F.
Identifiers: ClinVar variation 1387515 (VCV001387515.6), dbSNP rs2102554164, ClinGen allele CA344855580.